The following is an entry in ClinVar:

NM_005068.3(SIM1):c.1340A>T (p.Tyr447Phe)

Genes: SIM1 (SIM bHLH transcription factor 1; minus strand), SIM1-AS1 (SIM1 antisense RNA 1; plus strand). Cytogenetic location: 6q16.3.
Variant type: single nucleotide variant.
Coding change: c.1340A>T on transcript NM_005068.3 (MANE Select); coding-DNA position 1340, A replaced by T.
Protein change: p.Tyr447Phe; replaces tyrosine 447 with phenylalanine.
Molecular consequence: missense variant. On other transcripts: non-coding transcript variant (1).
Genome position (GRCh38, 1-based): chr6:100,393,717, T>A on the plus strand (A>T on the coding strand, the complement: SIM1 is on the minus strand). VCF-style: chr6-100393717-T-A. GRCh37 (hg19) VCF-style: chr6-100841593-T-A.
Other names: c.1340A>T, p.Tyr447Phe (NM_001374769.1); short protein forms Y447F.
Identifiers: ClinVar variation 4540085 (VCV004540085.1).
Genomic context (GRCh38, chr6:100,393,717, plus strand): 5'-CAGGCCTGGGTATGGAAATGCCTCTCTTCCACCAGCCTCGAGTGGTCAAGCGCAAAGCCA[T>A]AGCAGAGAGAGCTGCGGTCCGAAAACTGTCTGTAGGCGCACGATGCGTCGTGCTGGGAGC-3'
Protein context (NP_005059.2, residues 437-457): RQFSDRSSLC[Tyr447Phe]GFALDHSRLV

ClinVar aggregate classification (germline): Uncertain significance (1 of 4 stars; one submission).

Submission:

GeneDx
Classification: Uncertain significance. Last evaluated: 2025-06-29. Review status: criteria provided, single submitter. Criteria: GeneDx Variant Classification Process June 2021. Collection method: clinical testing. Allele origin: germline. Affected: yes.
Comment: Not observed at significant frequency in large population cohorts (gnomAD); In silico analysis suggests that this missense variant does not alter protein structure/function; Has not been previously published as pathogenic or benign to our knowledge